The following is an entry in ClinVar:

NM_003482.4(KMT2D):c.4361C>T (p.Thr1454Ile)

Gene: KMT2D (lysine methyltransferase 2D; minus strand). Cytogenetic location: 12q13.12.
Variant type: single nucleotide variant.
Coding change: c.4361C>T on transcript NM_003482.4 (MANE Select); coding-DNA position 4361, C replaced by T.
Protein change: p.Thr1454Ile; replaces threonine 1454 with isoleucine.
Molecular consequence: missense variant.
Genome position (GRCh38, 1-based): chr12:49,046,666, G>A on the plus strand (C>T on the coding strand, the complement: KMT2D is on the minus strand). VCF-style: chr12-49046666-G-A. GRCh37 (hg19) VCF-style: chr12-49440449-G-A.
Other names: short protein forms T1454I.
Identifiers: ClinVar variation 3899493 (VCV003899493.1).
Genomic context (GRCh38, chr12:49,046,666, plus strand): 5'-TACCACTTGCACTTCCAGCCGCCCTTGGGGACGGTGAGCAGTGGGGGGTCCAGGCAGTAT[G>A]TGTGGTAGCTAATATCACAGTCATCACAGAGCAGCAGGCGTGAGGGGTCGGAGGCCTGGC-3'
Protein context (NP_003473.3, residues 1444-1464): LCDDCDISYH[Thr1454Ile]YCLDPPLLTV

ClinVar aggregate classification (germline): Uncertain significance (1 of 4 stars; one submission).

gnomAD v4.1: 1 of 1,613,988 alleles (0.000062%); highest among the groups gnomAD compares: Non-Finnish European, 0.000085%; no homozygotes.

Submission:

GeneDx
Classification: Uncertain significance. Last evaluated: 2024-11-15. Review status: criteria provided, single submitter. Criteria: GeneDx Variant Classification Process June 2021. Collection method: clinical testing. Allele origin: germline. Affected: yes.
Comment: Not observed at significant frequency in large population cohorts (gnomAD); In silico analysis supports that this missense variant has a deleterious effect on protein structure/function; Has not been previously published as pathogenic or benign to our knowledge